The following is an entry in ClinVar:

NM_000359.3(TGM1):c.1802del (p.Ile601fs)

Gene: TGM1 (transglutaminase 1; minus strand). Cytogenetic location: 14q12.
Variant type: Deletion.
Coding change: c.1802del on transcript NM_000359.3 (MANE Select); coding-DNA position 1802, one base deleted (T; older notation c.1802delT).
Protein change: p.Ile601fs; shifts the reading frame from isoleucine 601.
Molecular consequence: frameshift variant.
Genome position (GRCh38, 1-based): chr14:24,255,097, A deleted on the plus strand (T on the coding strand, the reverse complement: TGM1 is on the minus strand). VCF-style (leftmost placement, unchanged base first): chr14-24255096-GA-G. GRCh37 (hg19) VCF-style: chr14-24724302-GA-G.
Other names: short protein forms I601fs.
Identifiers: ClinVar variation 1917950 (VCV001917950.5), dbSNP rs2502494014, ClinGen allele CA912992434.
Genomic context (GRCh38, chr14:24,255,096, plus strand): 5'-ATAGAAAGTGACTGAGAGGTAGAGGTGCAGTTTCACTGTGCGGCGGCTGCTGCTGTGATT[GA>G]TCAGCATCACAGAGACCATCAGATCCTGCCCCATCACCGCGTCCTGTGCCTCCACCTGCA-3'

ClinVar aggregate classification (germline): Pathogenic (1 of 4 stars; one submission).

Allele frequency attached by ClinVar (database versions not stated): gnomAD exomes below 0.00001.

Submission:

Labcorp Genetics (formerly Invitae), Labcorp
Classification: Pathogenic. Last evaluated: 2022-08-20. Review status: criteria provided, single submitter. Criteria: Invitae Variant Classification Sherloc (09022015). Collection method: clinical testing. Allele origin: germline.
Comment: This sequence change creates a premature translational stop signal (p.Ile601Thrfs*10) in the TGM1 gene. It is expected to result in an absent or disrupted protein product. Loss-of-function variants in TGM1 are known to be pathogenic (PMID: 18948357, 19241467). This variant is not present in population databases (gnomAD no frequency). This premature translational stop signal has been observed in individual(s) with clinical features of autosomal recessive ichthyosis (PMID: 31168818). This variant is also known as p.Ile601Thrfs*45. For these reasons, this variant has been classified as Pathogenic.

Literature cited by the submitters: PubMed 18948357; PubMed 19241467; PubMed 31168818.